The following is an entry in ClinVar:

NM_002880.4(RAF1):c.989T>C (p.Ile330Thr)

Gene: RAF1 (Raf-1 proto-oncogene, serine/threonine kinase; minus strand). Cytogenetic location: 3p25.2.
Variant type: single nucleotide variant.
Coding change: c.989T>C on transcript NM_002880.4 (MANE Select); coding-DNA position 989, T replaced by C.
Protein change: p.Ile330Thr; replaces isoleucine 330 with threonine.
Molecular consequence: missense variant. On other transcripts: non-coding transcript variant (3).
Genome position (GRCh38, 1-based): chr3:12,600,153, A>G on the plus strand (T>C on the coding strand, the complement: RAF1 is on the minus strand). VCF-style: chr3-12600153-A-G. GRCh37 (hg19) VCF-style: chr3-12641652-A-G.
Other names: c.1049T>C, p.Ile350Thr (NM_001354689.3); c.989T>C, p.Ile330Thr (NM_001354690.3); c.746T>C, p.Ile249Thr (NM_001354691.3, NM_001354692.3); c.890T>C, p.Ile297Thr (NM_001354693.3); c.806T>C, p.Ile269Thr (NM_001354694.3); c.647T>C, p.Ile216Thr (NM_001354695.3); short protein forms I330T, I269T, I216T, I249T, I350T, I297T.
Identifiers: ClinVar variation 2126262 (VCV002126262.5), dbSNP rs2470303257, ClinGen allele CA351508120.
Genomic context (GRCh38, chr3:12,600,153, plus strand): 5'-CCAACGAGGTTTTTCTTACTGAACCCTAATTGGCAGGAGGTACTGTTGTCTATACTCACA[A>G]TTTTGTTTTTCTCCTGGGTCCCAGATACTGGTGCCCGCTCTCTTTGTGCTGGCACGGGGG-3'
Protein context (NP_002871.1, residues 320-340): PVSGTQEKNK[Ile330Thr]RPRGQRDSSY

ClinVar aggregate classification (germline): Uncertain significance. Review status: criteria provided, multiple submitters, no conflicts (2 of 4 stars). 2 submissions from 2 submitters: Uncertain significance (2). Last evaluated 2026-01-27.

Conditions:
RASopathy. Also called: rasopathies; Noonan spectrum disorder. Identifiers: Orphanet 536391, MedGen C5555857, MONDO:0021060.
RAF1-related disorder. Also called: RAF1-related disorders; RAF1-related condition.

Submissions (2):

Labcorp Genetics (formerly Invitae), Labcorp
Classification: Uncertain significance for RASopathy. Last evaluated: 2026-01-27. Review status: criteria provided, single submitter. Criteria: Invitae Variant Classification Sherloc (09022015). Collection method: clinical testing. Allele origin: germline.
Comment: This sequence change replaces isoleucine, which is neutral and non-polar, with threonine, which is neutral and polar, at codon 330 of the RAF1 protein (p.Ile330Thr). This variant is not present in population databases (gnomAD no frequency). This variant has not been reported in the literature in individuals affected with RAF1-related conditions. ClinVar contains an entry for this variant (Variation ID: 2126262). Invitae Evidence Modeling incorporating data from in vitro experimental studies (internal data) indicates that this missense variant is not expected to disrupt RAF1 function with a negative predictive value of 95%. In summary, the available evidence is currently insufficient to determine the role of this variant in disease. Therefore, it has been classified as a Variant of Uncertain Significance.

PreventionGenetics, part of Exact Sciences
Classification: Uncertain significance for RAF1-related condition. Last evaluated: 2023-01-23. Review status: criteria provided, single submitter. Criteria: ACMG Guidelines, 2015. Collection method: clinical testing. Allele origin: germline.
Comment: The RAF1 c.989T>C variant is predicted to result in the amino acid substitution p.Ile330Thr. To our knowledge, this variant has not been reported in the literature or in a large population database, indicating this variant is rare. At this time, the clinical significance of this variant is uncertain due to the absence of conclusive functional and genetic evidence.